The following is an entry in ClinVar:

ClinVar aggregate classification (germline): Uncertain significance (1 of 4 stars; one submission).

Conditions:
Cardiovascular phenotype. Identifiers: MedGen CN230736.

Submission:

Ambry Genetics
Classification: Uncertain significance for Cardiovascular phenotype. Last evaluated: 2026-06-02. Review status: criteria provided, single submitter. Criteria: Ambry Variant Classification Scheme 2023. Collection method: clinical testing. Allele origin: germline.
Comment: The p.H379L variant (also known as c.1136A>T), located in coding exon 9 of the ENG gene, results from an A to T substitution at nucleotide position 1136. The histidine at codon 379 is replaced by leucine, an amino acid with similar properties. This amino acid position is conserved. In addition, this alteration is predicted to be tolerated by in silico analysis. Based on the available evidence, the clinical significance of this variant remains unclear.

NM_001114753.3(ENG):c.1136A>T (p.His379Leu)

Genes: ENG (endoglin; minus strand), LOC102723566 (uncharacterized LOC102723566; plus strand). Cytogenetic location: 9q34.11.
Variant type: single nucleotide variant.
Coding change: c.1136A>T on transcript NM_001114753.3 (MANE Select); coding-DNA position 1136, A replaced by T.
Protein change: p.His379Leu; replaces histidine 379 with leucine.
Molecular consequence: missense variant.
Genome position (GRCh38, 1-based): chr9:127,820,036, T>A on the plus strand (A>T on the coding strand, the complement: ENG is on the minus strand). VCF-style: chr9-127820036-T-A. GRCh37 (hg19) VCF-style: chr9-130582315-T-A.
Other names: c.1136A>T, p.His379Leu (NM_000118.4); c.590A>T, p.His197Leu (NM_001278138.2); short protein forms H197L, H379L.
Identifiers: ClinVar variation 4870408 (VCV004870408.1).